The following is an entry in ClinVar:

NM_004586.3(RPS6KA3):c.244-5T>C

Gene: RPS6KA3 (ribosomal protein S6 kinase A3; minus strand). Cytogenetic location: Xp22.12.
Variant type: single nucleotide variant.
Coding change: c.244-5T>C on transcript NM_004586.3 (MANE Select); 5 bases into the intron before coding-DNA position 244, T replaced by C.
Molecular consequence: intron variant.
Genome position (GRCh38, 1-based): chrX:20,204,108, A>G on the plus strand (T>C on the coding strand, the complement: RPS6KA3 is on the minus strand). VCF-style: chrX-20204108-A-G. GRCh37 (hg19) VCF-style: chrX-20222226-A-G.
Identifiers: ClinVar variation 500983 (VCV000500983.21), dbSNP rs192189478, ClinGen allele CA10366309.

ClinVar aggregate classification (germline): Benign/Likely benign. Review status: criteria provided, multiple submitters, no conflicts (2 of 4 stars). 6 submissions from 6 submitters: Benign (3); Likely benign (2). 1 of the submissions does not count toward it. Last evaluated 2026-05-01.

Conditions:
Coffin-Lowry syndrome (CLS). Also called: COFFIN-LOWRY SYNDROME, MILD; Mental retardation with osteocartilaginous abnormalities. Identifiers: Orphanet 192, MedGen C0265252, MONDO:0010561, OMIM 303600.
Intellectual developmental disorder, X-linked 19. Also called: Intellectual disability, X-linked 19. Identifiers: Orphanet 777, MedGen C0796225, MONDO:0010447, OMIM 300844.
RPS6KA3-related disorder. Also called: RPS6KA3-related condition.
Inborn genetic diseases. Identifiers: MedGen C0950123, MeSH D030342.

Allele frequency attached by ClinVar (database versions not stated): ExAC 0.00005; gnomAD 0.00083 and 0.00084; gnomAD exomes 0.00041 and 0.00010; 1000 Genomes Project 30x 0.00146; TOPMed 0.00096; 1000 Genomes Project 0.00106.
gnomAD v4.1: 197 of 1,143,712 alleles (0.017%); highest among the groups gnomAD compares: Admixed American, 0.42%; 4 homozygotes.

Submissions (6):

CeGaT Center for Human Genetics Tuebingen
Classification: Likely benign. Last evaluated: 2026-05-01. Review status: criteria provided, single submitter. Criteria: CeGaT Center For Human Genetics Tuebingen Variant Classification Criteria Version 2. Collection method: clinical testing. Allele origin: germline. Affected: yes. Observed: 2 variant alleles.
Comment: RPS6KA3: BP4, BS2

Labcorp Genetics (formerly Invitae), Labcorp
Classification: Benign for Coffin-Lowry syndrome; Intellectual developmental disorder, X-linked 19. Last evaluated: 2026-02-01. Review status: criteria provided, single submitter. Criteria: Invitae Variant Classification Sherloc (09022015). Collection method: clinical testing. Allele origin: germline.

GeneDx
Classification: Benign. Last evaluated: 2020-08-11. Review status: criteria provided, single submitter. Criteria: GeneDx Variant Classification Process June 2021. Collection method: clinical testing. Allele origin: germline. Affected: yes.

Ambry Genetics
Classification: Benign for Inborn genetic diseases. Last evaluated: 2017-05-10. Review status: criteria provided, single submitter. Criteria: Ambry Variant Classification Scheme 2023. Collection method: clinical testing. Allele origin: germline.

Eurofins Ntd Llc (ga)
Classification: Likely benign. Last evaluated: 2017-03-24. Review status: criteria provided, single submitter. Criteria: EGL Classification Definitions 2015. Collection method: clinical testing. Allele origin: germline. Observed: 1 variant allele, 1 hemizygote.

PreventionGenetics, part of Exact Sciences
Classification: Likely benign for RPS6KA3-related condition. Last evaluated: 2022-04-28. Review status: no assertion criteria provided. Collection method: clinical testing. Allele origin: germline. Not counted in ClinVar's aggregate classification.
Comment: This variant is classified as likely benign based on ACMG/AMP sequence variant interpretation guidelines (Richards et al. 2015 PMID: 25741868, with internal and published modifications).